The following is an entry in ClinVar:

ClinVar aggregate classification (germline): Conflicting classifications of pathogenicity. Review status: criteria provided, conflicting classifications (1 of 4 stars). 4 submissions from 2 submitters: Likely pathogenic (3); Uncertain significance (1). Last evaluated 2024-08-15.

Conditions:
Atrial septal defect 5 (ASD5). Identifiers: Orphanet 1478, MedGen C2748552, MONDO:0013011, OMIM 612794.
Hypertrophic cardiomyopathy 11. Also called: ACTC1-Related Familial Hypertrophic Cardiomyopathy. Identifiers: MedGen C2677506, MONDO:0012799, OMIM 612098.
Dilated cardiomyopathy 1R (CMD1R). Identifiers: Orphanet 154, Orphanet 54260, MedGen C3150681, MONDO:0013261, OMIM 613424.

Submissions (4):

Labcorp Genetics (formerly Invitae), Labcorp
Classification: Uncertain significance for Dilated cardiomyopathy 1R; Hypertrophic cardiomyopathy 11; Atrial septal defect 5. Last evaluated: 2024-08-15. Review status: criteria provided, single submitter. Criteria: Invitae Variant Classification Sherloc (09022015). Collection method: clinical testing. Allele origin: germline.
Comment: This sequence change creates a premature translational stop signal (p.Thr105Profs*8) in the ACTC1 gene. It is expected to result in an absent or disrupted protein product. However, the current clinical and genetic evidence is not sufficient to establish whether loss-of-function variants in ACTC1 cause disease. This variant is not present in population databases (gnomAD no frequency). This variant has not been reported in the literature in individuals affected with ACTC1-related conditions. ClinVar contains an entry for this variant (Variation ID: 846360). In summary, the available evidence is currently insufficient to determine the role of this variant in disease. Therefore, it has been classified as a Variant of Uncertain Significance.

Baylor Genetics
Classification: Likely pathogenic for Hypertrophic cardiomyopathy 11. Last evaluated: 2022-06-27. Review status: criteria provided, single submitter. Criteria: ACMG Guidelines, 2015. Collection method: clinical testing. Allele origin: unknown.

Baylor Genetics
Classification: Likely pathogenic for Dilated cardiomyopathy 1R. Last evaluated: 2022-06-27. Review status: criteria provided, single submitter. Criteria: ACMG Guidelines, 2015. Collection method: clinical testing. Allele origin: unknown.

Baylor Genetics
Classification: Likely pathogenic for Atrial septal defect 5. Last evaluated: 2022-06-27. Review status: criteria provided, single submitter. Criteria: ACMG Guidelines, 2015. Collection method: clinical testing. Allele origin: unknown.

NM_005159.5(ACTC1):c.312del (p.Thr105fs)

Genes: ACTC1 (actin alpha cardiac muscle 1; minus strand), GJD2-DT (GJD2 divergent transcript; plus strand). Cytogenetic location: 15q14.
Variant type: Deletion.
Coding change: c.312del on transcript NM_005159.5 (MANE Select); coding-DNA position 312, one base deleted (C; older notation c.312delC).
Protein change: p.Thr105fs; shifts the reading frame from threonine 105.
Molecular consequence: frameshift variant.
Genome position (GRCh38, 1-based): chr15:34,793,387, G deleted on the plus strand (C on the coding strand, the reverse complement: ACTC1 is on the minus strand); the first of 4 consecutive G bases (chr15:34,793,387-34,793,390); deleting any one gives the same sequence. VCF-style (leftmost placement, unchanged base first): chr15-34793386-TG-T. GRCh37 (hg19) VCF-style: chr15-35085587-TG-T.
Other names: short protein forms T105fs.
Identifiers: ClinVar variation 846360 (VCV000846360.8), dbSNP rs1891747424, ClinGen allele CA916081749.